The following is an entry in ClinVar:

ClinVar aggregate classification (germline): Uncertain significance. Review status: criteria provided, multiple submitters, no conflicts (2 of 4 stars). 7 submissions from 7 submitters: Uncertain significance (5). 2 of the submissions do not count toward it. Last evaluated 2026-06-08.

Conditions:
CFTR-related disorder (CFTR-RD). Also called: CFTR-related disorders; CFTR-related condition. Identifiers: MedGen C5924204, MONDO:7770004.
Cystic fibrosis (CF). Also called: MUCOVISCIDOSIS. Identifiers: Orphanet 586, MedGen C0010674, MONDO:0009061, OMIM 219700. Disease mechanism: loss of function.
Bronchiectasis with or without elevated sweat chloride 1 (BESC1). Also called: Cystic Fibrosis-Like Syndrome. Identifiers: Orphanet 60033, MedGen C2749757, MONDO:0008887, OMIM 211400.
Hereditary pancreatitis (PCTT). Also called: Hereditary chronic pancreatitis; PRSS1-Related Hereditary Pancreatitis. Identifiers: Orphanet 676, MedGen C0238339, MONDO:0008185, OMIM 167800.
Congenital bilateral aplasia of vas deferens from CFTR mutation (CBAVD). Identifiers: Orphanet 48, MedGen C0403814, MONDO:0010178, OMIM 277180. Disease mechanism: loss of function.

Allele frequency attached by ClinVar (database versions not stated): gnomAD exomes below 0.00001 and 0.00001; ExAC 0.00002; TOPMed 0.00004; ESP Exome Variant Server 0.00008; gnomAD 0.00003.
gnomAD v4.1: 5 of 1,613,910 alleles (0.00031%); highest among the groups gnomAD compares: African/African-American, 0.004%; no homozygotes.

Submissions (7):

Women's Health and Genetics/Laboratory Corporation of America, LabCorp
Classification: Uncertain significance. Last evaluated: 2026-06-08. Review status: criteria provided, single submitter. Criteria: LabCorp Variant Classification Summary - May 2015. Collection method: clinical testing. Allele origin: germline.
Comment: Variant summary: CFTR c.4003C>T (p.Leu1335Phe) results in a non-conservative amino acid change located in the ABC transporter-like, ATP-binding domain (IPR003439) of the encoded protein sequence. Algorithms developed to predict the effect of missense changes on protein structure and function all suggest that this variant is likely to be disruptive. The variant allele was found at a frequency of 8.2e-06 in 367128 control chromosomes. c.4003C>T has been reported in the literature in individuals with Cystic Fibrosis with non informative genotype (Krenkova_2009, Krenkova_2013), in a COPD study (Saferali_2022) and in context of new born screening (Tabor_2014). These report(s) do not provide unequivocal conclusions about association of the variant with Cystic Fibrosis. A different variant affecting the same codon has been classified as pathogenic by our lab (c.4004T>C, p.Leu1335Pro), supporting the critical relevance of codon 1335 to CFTR protein function. To our knowledge, no experimental evidence demonstrating an impact on protein function has been reported. The following publications have been ascertained in the context of this evaluation (PMID: 12865275, 19897426, 20163773, 23276700, 34996830, 25087612). ClinVar contains an entry for this variant (Variation ID: 53871). Based on the evidence outlined above, the variant was classified as VUS-possibly pathogenic.

Labcorp Genetics (formerly Invitae), Labcorp
Classification: Uncertain significance for Cystic fibrosis. Last evaluated: 2025-07-03. Review status: criteria provided, single submitter. Criteria: Invitae Variant Classification Sherloc (09022015). Collection method: clinical testing. Allele origin: germline.
Comment: This sequence change replaces leucine, which is neutral and non-polar, with phenylalanine, which is neutral and non-polar, at codon 1335 of the CFTR protein (p.Leu1335Phe). This variant is present in population databases (rs145545286, gnomAD 0.008%). This variant has not been reported in the literature in individuals affected with CFTR-related conditions. ClinVar contains an entry for this variant (Variation ID: 53871). Invitae Evidence Modeling of protein sequence and biophysical properties (such as structural, functional, and spatial information, amino acid conservation, physicochemical variation, residue mobility, and thermodynamic stability) indicates that this missense variant is expected to disrupt CFTR protein function with a positive predictive value of 80%. This variant disrupts the p.Leu1335 amino acid residue in CFTR. Other variant(s) that disrupt this residue have been determined to be pathogenic (PMID: 19445912, 23974870, 29504914, 29805046). This suggests that this residue is clinically significant, and that variants that disrupt this residue are likely to be disease-causing. In summary, the available evidence is currently insufficient to determine the role of this variant in disease. Therefore, it has been classified as a Variant of Uncertain Significance.

Ambry Genetics
Classification: Uncertain significance for Cystic fibrosis. Last evaluated: 2022-06-14. Review status: criteria provided, single submitter. Criteria: Ambry Variant Classification Scheme 2023. Collection method: clinical testing. Allele origin: germline.
Comment: The p.L1335F variant (also known as c.4003C>T), located in coding exon 25 of the CFTR gene, results from a C to T substitution at nucleotide position 4003. The leucine at codon 1335 is replaced by phenylalanine, an amino acid with highly similar properties. This variant was identified in Czech cohort of individuals with cystic fibrosis; however, additional information was limited (Kenkov&aacute; P et al. J. Cyst. Fibros., 2013 Sep;12:532-7). In addition, it was also identified in an Italian cohort of individuals undergoing carrier screening (Picci L et al. J. Cyst. Fibros., 2010 Jan;9:29-35). This amino acid position is highly conserved in available vertebrate species. In addition, this alteration is predicted to be deleterious by in silico analysis. Based on available evidence to date, the clinical significance of this alteration remains unclear.

Fulgent Genetics
Classification: Uncertain significance for Hereditary pancreatitis; Bronchiectasis with or without elevated sweat chloride 1; Cystic fibrosis; Congenital bilateral aplasia of vas deferens from CFTR mutation. Last evaluated: 2022-04-29. Review status: criteria provided, single submitter. Criteria: ACMG Guidelines, 2015. Collection method: clinical testing. Allele origin: unknown.

ARUP Laboratories, Molecular Genetics and Genomics, ARUP Laboratories
Classification: Uncertain significance. Last evaluated: 2018-11-20. Review status: criteria provided, single submitter. Criteria: ARUP Molecular Germline Variant Investigation Process. Collection method: clinical testing. Allele origin: germline.
Comment: The CFTR c.4003C>T; p.Leu1335Phe variant (rs145545286) is reported in the literature in the heterozygous state with an unknown second allele in individuals with a suspected diagnosis of cystic fibrosis, as well as in healthy carriers (Krenkova 2013, Picci 2010, Tabor 2014). This variant is reported in ClinVar (Variation ID: 53871), and is only observed on three alleles in the Genome Aggregation Database, indicating it is not a common polymorphism. The leucine at codon 1335 is highly conserved, and computational analyses (SIFT, PolyPhen-2) predict that this variant is deleterious. Additionally, another variant at this codon (c.4004T>C p.Leu1335Pro) has been reported in individuals with cystic fibrosis and is considered mildly pathogenic (Ahmed 2003, Raraigh 2018, CFTR2 database). However, given the lack of clinical and functional data, the significance of the p.Leu1335Phe variant is uncertain at this time. References: Link to CFTR2 database for p.Leu1335Pro: Ahmed N et al. Molecular consequences of cystic fibrosis transmembrane regulator (CFTR) gene mutations in the exocrine pancreas. Gut. 2003 Aug;52(8):1159-64. Krenkova P et al. Distribution of CFTR mutations in the Czech population: positive impact of integrated clinical and laboratory expertise, detection of novel/de novo alleles and relevance for related/derived populations. J Cyst Fibros. 2013 Sep;12(5):532-7. Picci L et al. A 10-year large-scale cystic fibrosis carrier screening in the Italian population. J Cyst Fibros. 2010 Jan;9(1):29-35. Raraigh KS et al. Functional Assays Are Essential for Interpretation of Missense Variants Associated with Variable Expressivity. Am J Hum Genet. 2018 Jun 7;102(6):1062-1077. Tabor HK et al. Pathogenic variants for Mendelian and complex traits in exomes of 6,517 European and African Americans: implications for the return of incidental results. Am J Hum Genet. 2014 Aug 7;95(2):183-93.

Natera, Inc.
Classification: Uncertain significance for CFTR-related disorders. Last evaluated: 2017-11-30. Review status: no assertion criteria provided. Collection method: clinical testing. Allele origin: germline. Not counted in ClinVar's aggregate classification.

ClinVar Staff, National Center for Biotechnology Information (NCBI)
No classification provided. Condition: CFTR-related disorders. Review status: no classification provided. Collection method: literature only. Allele origin: germline. Affected: yes. Not counted in ClinVar's aggregate classification.

Literature cited by the submitters: PubMed 12865275 (cited by Women's Health and Genetics/Laboratory Corporation of America, LabCorp); PubMed 19897426 (cited by Women's Health and Genetics/Laboratory Corporation of America, LabCorp and Ambry Genetics); PubMed 20163773 (cited by 3 submitters); PubMed 23276700 (cited by Women's Health and Genetics/Laboratory Corporation of America, LabCorp and Ambry Genetics); PubMed 25087612 (cited by Women's Health and Genetics/Laboratory Corporation of America, LabCorp); PubMed 34996830 (cited by Women's Health and Genetics/Laboratory Corporation of America, LabCorp); PubMed 19445912 (cited by Labcorp Genetics (formerly Invitae), Labcorp); PubMed 23974870 (cited by Labcorp Genetics (formerly Invitae), Labcorp); PubMed 29504914 (cited by Labcorp Genetics (formerly Invitae), Labcorp); PubMed 29805046 (cited by Labcorp Genetics (formerly Invitae), Labcorp).

NM_000492.4(CFTR):c.4003C>T (p.Leu1335Phe)

Gene: CFTR (CF transmembrane conductance regulator; plus strand). Cytogenetic location: 7q31.2.
Variant type: single nucleotide variant.
Coding change: c.4003C>T on transcript NM_000492.4 (MANE Select); coding-DNA position 4003, C replaced by T.
Protein change: p.Leu1335Phe; replaces leucine 1335 with phenylalanine.
Molecular consequence: missense variant.
Genome position (GRCh38, 1-based): chr7:117,664,727, C>T. VCF-style: chr7-117664727-C-T. GRCh37 (hg19) VCF-style: chr7-117304781-C-T.
Other names: short protein forms L1335F.
Identifiers: ClinVar variation 53871 (VCV000053871.16), dbSNP rs145545286, ClinGen allele CA327376.